The following is an entry in ClinVar:

NM_015909.4(NBAS):c.6448_6449del (p.Asp2149_Ile2150insTer)

Gene: NBAS (NBAS subunit of NRZ tethering complex; minus strand). Cytogenetic location: 2p24.3.
Variant type: Deletion.
Coding change: c.6448_6449del on transcript NM_015909.4 (MANE Select); coding-DNA positions 6448 to 6449, 2 bases deleted (AT; older notation c.6448_6449delAT).
Protein change: p.Asp2149_Ile2150insTer.
Molecular consequence: nonsense. On other transcripts: non-coding transcript variant (1).
Genome position (GRCh38, 1-based): chr2:15,190,387-15,190,388, AT deleted on the plus strand (AT on the coding strand, the reverse complement: NBAS is on the minus strand). VCF-style (leftmost placement, unchanged base first): chr2-15190386-AAT-A. GRCh37 (hg19) VCF-style: chr2-15330510-AAT-A.
Identifiers: ClinVar variation 3584473 (VCV003584473.3).

ClinVar aggregate classification (germline): Pathogenic/Likely pathogenic. Review status: criteria provided, multiple submitters, no conflicts (2 of 4 stars). 2 submissions from 2 submitters: Pathogenic (1); Likely pathogenic (1). Last evaluated 2025-06-16.

Conditions:
Short stature-optic atrophy-Pelger-Huët anomaly syndrome. Also called: Short stature, optic nerve atrophy, and Pelger-Huet anomaly; Short stature-optic atrophy-Pelger-HuC+t anomaly syndrome. Identifiers: Orphanet 391677, MedGen C3541319, MONDO:0013889, OMIM 614800.
Infantile liver failure syndrome 2 (ILFS2). Identifiers: MedGen C3809651, MONDO:0014659, OMIM 616483.

Submissions (2):

Labcorp Genetics (formerly Invitae), Labcorp
Classification: Pathogenic. Last evaluated: 2025-06-16. Review status: criteria provided, single submitter. Criteria: Invitae Variant Classification Sherloc (09022015). Collection method: clinical testing. Allele origin: germline.
Comment: This sequence change creates a premature translational stop signal (p.Ile2150*) in the NBAS gene. It is expected to result in an absent or disrupted protein product. Loss-of-function variants in NBAS are known to be pathogenic (PMID: 26073778, 26541327, 27789416, 28031453). This variant is not present in population databases (gnomAD no frequency). This variant has not been reported in the literature in individuals affected with NBAS-related conditions. ClinVar contains an entry for this variant (Variation ID: 3584473). For these reasons, this variant has been classified as Pathogenic.

Fulgent Genetics
Classification: Likely pathogenic for Short stature-optic atrophy-Pelger-Huët anomaly syndrome; Infantile liver failure syndrome 2. Last evaluated: 2024-05-11. Review status: criteria provided, single submitter. Criteria: ACMG Guidelines, 2015. Collection method: clinical testing. Allele origin: germline.

Literature cited by the submitters: PubMed 26073778 (cited by Labcorp Genetics (formerly Invitae), Labcorp); PubMed 26541327 (cited by Labcorp Genetics (formerly Invitae), Labcorp); PubMed 27789416 (cited by Labcorp Genetics (formerly Invitae), Labcorp); PubMed 28031453 (cited by Labcorp Genetics (formerly Invitae), Labcorp).